The following is an entry in ClinVar:

ClinVar aggregate classification (germline): Uncertain significance (1 of 4 stars; one submission).

Conditions:
Capillary malformation-arteriovenous malformation syndrome. Also called: Capillary malformation-arteriovenous malformation. Identifiers: Orphanet 137667, MedGen C1842180, MONDO:0012016.

gnomAD v4.1: 25 of 1,609,228 alleles (0.0016%); highest among the groups gnomAD compares: Non-Finnish European, 0.0021%; no homozygotes.

Submission:

Labcorp Genetics (formerly Invitae), Labcorp
Classification: Uncertain significance for Capillary malformation-arteriovenous malformation syndrome. Last evaluated: 2024-08-04. Review status: criteria provided, single submitter. Criteria: Invitae Variant Classification Sherloc (09022015). Collection method: clinical testing. Allele origin: germline.
Comment: This sequence change replaces valine, which is neutral and non-polar, with isoleucine, which is neutral and non-polar, at codon 737 of the RASA1 protein (p.Val737Ile). This variant is not present in population databases (gnomAD no frequency). This missense change has been observed in individual(s) with RASA1-related conditions (PMID: 29891884). An algorithm developed to predict the effect of missense changes on protein structure and function (PolyPhen-2) suggests that this variant is likely to be tolerated. In summary, the available evidence is currently insufficient to determine the role of this variant in disease. Therefore, it has been classified as a Variant of Uncertain Significance.

Literature cited by the submitters: PubMed 29891884.

NM_002890.3(RASA1):c.2209G>A (p.Val737Ile)

Genes: CCNH (cyclin H; minus strand), RASA1 (RAS p21 protein activator 1; plus strand). Cytogenetic location: 5q14.3.
Variant type: single nucleotide variant.
Coding change: c.2209G>A on transcript NM_002890.3 (MANE Select); coding-DNA position 2209, G replaced by A.
Protein change: p.Val737Ile; replaces valine 737 with isoleucine.
Molecular consequence: missense variant. On other transcripts: intron variant (1).
Genome position (GRCh38, 1-based): chr5:87,376,905, G>A. VCF-style: chr5-87376905-G-A. GRCh37 (hg19) VCF-style: chr5-86672722-G-A.
Other names: c.1678G>A, p.Val560Ile (NM_022650.3); c.933+18139C>T (NM_001364075.2); short protein forms V737I, V560I.
Identifiers: ClinVar variation 3722352 (VCV003722352.2).